The following is an entry in ClinVar:

ClinVar aggregate classification (germline): Uncertain significance (1 of 4 stars; one submission).

Submission:

GeneDx
Classification: Uncertain significance. Last evaluated: 2023-06-30. Review status: criteria provided, single submitter. Criteria: GeneDx Variant Classification Process June 2021. Collection method: clinical testing. Allele origin: germline. Affected: yes.
Comment: Not observed at significant frequency in large population cohorts (gnomAD); In silico analysis supports that this missense variant has a deleterious effect on protein structure/function; Has not been previously published as pathogenic or benign to our knowledge

NM_020937.4(FANCM):c.4607A>G (p.Asn1536Ser)

Gene: FANCM (FA complementation group M; plus strand). Cytogenetic location: 14q21.2.
Variant type: single nucleotide variant.
Coding change: c.4607A>G on transcript NM_020937.4 (MANE Select); coding-DNA position 4607, A replaced by G.
Protein change: p.Asn1536Ser; replaces asparagine 1536 with serine.
Molecular consequence: missense variant.
Genome position (GRCh38, 1-based): chr14:45,185,308, A>G. VCF-style: chr14-45185308-A-G. GRCh37 (hg19) VCF-style: chr14-45654511-A-G.
Other names: c.4529A>G, p.Asn1510Ser (NM_001308133.2); short protein forms N1510S, N1536S.
Identifiers: ClinVar variation 3360477 (VCV003360477.1).